The following is an entry in ClinVar:

NM_001035.3(RYR2):c.12092C>A (p.Thr4031Asn)

Gene: RYR2 (ryanodine receptor 2; plus strand). Cytogenetic location: 1q43.
Variant type: single nucleotide variant.
Coding change: c.12092C>A on transcript NM_001035.3 (MANE Select); coding-DNA position 12092, C replaced by A.
Protein change: p.Thr4031Asn; replaces threonine 4031 with asparagine.
Molecular consequence: missense variant.
Genome position (GRCh38, 1-based): chr1:237,783,804, C>A. VCF-style: chr1-237783804-C-A. GRCh37 (hg19) VCF-style: chr1-237947104-C-A.
Other names: c.12092C>A, p.Thr4031Asn (LRG_402t1); short protein forms T4031N.
Identifiers: ClinVar variation 629707 (VCV000629707.4), dbSNP rs781478740, ClinGen allele CA085125.

ClinVar aggregate classification (germline): Uncertain significance (1 of 4 stars; one submission).

Conditions:
Cardiomyopathy (CMYO). Also called: Cardiomyopathies. Identifiers: Orphanet 167848, MedGen C0878544, MONDO:0004994, HP:0001638. Inheritance: Various modes of inheritance.

Allele frequency attached by ClinVar (database versions not stated): TOPMed below 0.00001; gnomAD exomes 0.00002; ExAC 0.00003.
gnomAD v4.1: 14 of 1,613,714 alleles (0.00087%); highest among the groups gnomAD compares: South Asian, 0.015%; no homozygotes.

Submission:

Color Diagnostics, LLC DBA Color Health
Classification: Uncertain significance for Cardiomyopathy. Last evaluated: 2023-12-05. Review status: criteria provided, single submitter. Criteria: ACMG Guidelines, 2015. Collection method: clinical testing. Allele origin: germline.
Comment: Variant of Uncertain Significance due to insufficient evidence: This missense variant is located in the cytoplasmic domain of the RYR2 protein. Computational prediction tools and conservation analyses are inconclusive regarding the impact of this variant on the protein function. Computational splicing tools suggest that this variant may not impact RNA splicing. To our knowledge, functional assays have not been performed for this variant nor has this variant been reported in individuals affected with cardiovascular disorders in the literature. This variant has been identified in 5/245164 chromosomes in the general population by the Genome Aggregation Database (gnomAD). Available evidence is insufficient to determine the pathogenicity of this variant conclusively.